The following is an entry in ClinVar:

NM_001082486.2(ACD):c.920C>T (p.Pro307Leu)

Gene: ACD (ACD shelterin complex subunit and telomerase recruitment factor; minus strand). Cytogenetic location: 16q22.1.
Variant type: single nucleotide variant.
Coding change: c.920C>T on transcript NM_001082486.2 (MANE Select); coding-DNA position 920, C replaced by T.
Protein change: p.Pro307Leu; replaces proline 307 with leucine.
Molecular consequence: missense variant.
Genome position (GRCh38, 1-based): chr16:67,658,272, G>A on the plus strand (C>T on the coding strand, the complement: ACD is on the minus strand). VCF-style: chr16-67658272-G-A. GRCh37 (hg19) VCF-style: chr16-67692175-G-A.
Other names: c.833C>T, p.Pro278Leu (NM_001410884.1); c.911C>T, p.Pro304Leu (NM_022914.3); short protein forms P278L, P304L, P307L.
Identifiers: ClinVar variation 1741276 (VCV001741276.2), dbSNP rs2543599454, ClinGen allele CA396352784.

ClinVar aggregate classification (germline): Uncertain significance (1 of 4 stars; one submission).

Conditions:
Inborn genetic diseases. Identifiers: MedGen C0950123, MeSH D030342.

Allele frequency attached by ClinVar (database versions not stated): gnomAD exomes below 0.00001.
gnomAD v4.1: 1 of 1,613,738 alleles (0.000062%); highest among the groups gnomAD compares: South Asian, 0.0011%; no homozygotes.

Submission:

Ambry Genetics
Classification: Uncertain significance for Inborn genetic diseases. Last evaluated: 2021-08-17. Review status: criteria provided, single submitter. Criteria: Ambry Variant Classification Scheme 2023. Collection method: clinical testing. Allele origin: germline.
Comment: The p.P393L variant (also known as c.1178C>T), located in coding exon 10 of the ACD gene, results from a C to T substitution at nucleotide position 1178. The proline at codon 393 is replaced by leucine, an amino acid with similar properties. This amino acid position is conserved. In addition, this alteration is predicted to be tolerated by in silico analysis. Since supporting evidence is limited at this time, the clinical significance of this alteration remains unclear.